The following is an entry in ClinVar:

ClinVar aggregate classification (germline): Uncertain significance (1 of 4 stars; one submission).

Conditions:
Hereditary cancer-predisposing syndrome. Also called: Hereditary Cancer Syndrome; Neoplastic Syndromes, Hereditary; Tumor predisposition; Hereditary neoplastic syndrome. Identifiers: Orphanet 140162, MedGen C0027672, MeSH D009386, MONDO:0015356.

Submission:

Ambry Genetics
Classification: Uncertain significance for Hereditary cancer-predisposing syndrome. Last evaluated: 2021-11-23. Review status: criteria provided, single submitter. Criteria: Ambry Variant Classification Scheme 2023. Collection method: clinical testing. Allele origin: germline.
Comment: The p.P181A variant (also known as c.541C>G), located in coding exon 6 of the NF2 gene, results from a C to G substitution at nucleotide position 541. The proline at codon 181 is replaced by alanine, an amino acid with highly similar properties. This amino acid position is not well conserved in available vertebrate species. In addition, this alteration is predicted to be tolerated by in silico analysis. Since supporting evidence is limited at this time, the clinical significance of this alteration remains unclear.

NM_000268.4(NF2):c.541C>G (p.Pro181Ala)

Gene: NF2 (NF2, moesin-ezrin-radixin like (MERLIN) tumor suppressor; plus strand). Cytogenetic location: 22q12.2.
Variant type: single nucleotide variant.
Coding change: c.541C>G on transcript NM_000268.4 (MANE Select); coding-DNA position 541, C replaced by G.
Protein change: p.Pro181Ala; replaces proline 181 with alanine.
Molecular consequence: missense variant. On other transcripts: non-coding transcript variant (1), intron variant (1).
Genome position (GRCh38, 1-based): chr22:29,655,618, C>G. VCF-style: chr22-29655618-C-G. GRCh37 (hg19) VCF-style: chr22-30051607-C-G.
Other names: c.427C>G, p.Pro143Ala (NM_001407053.1, NM_001407056.1); c.418C>G, p.Pro140Ala (NM_001407054.1, NM_001407058.1, NM_001407062.1 and 1 more transcripts); c.415C>G, p.Pro139Ala (NM_001407055.1, NM_181828.3); c.541C>G, p.Pro181Ala (NM_001407057.1, NM_001407059.1, NM_001407060.1 and 4 more transcripts); c.292C>G, p.Pro98Ala (NM_001407063.1, NM_001407064.1, NM_181830.3 and 1 more transcripts); c.7C>G, p.Pro3Ala (NM_001407065.1); c.310C>G, p.Pro104Ala (NM_001407067.1); c.447+13333C>G (NM_181833.3); short protein forms P104A, P181A, P139A, P140A, P3A, P98A, P143A.
Identifiers: ClinVar variation 1747424 (VCV001747424.2), dbSNP rs2146972280, ClinGen allele CA411142567.
Genomic context (GRCh38, chr22:29,655,618, plus strand): 5'-TGTGTAGGTTTTTTATTTTGCTCTATTTTTTGGTAGGTAATAAATCTGTATCAGATGACT[C>G]CGGAAATGTGGGAGGAGAGAATTACTGCTTGGTACGCAGAGCACCGAGGCCGAGCCAGGT-3'
Protein context (NP_000259.1, residues 171-191): KRVINLYQMT[Pro181Ala]EMWEERITAW